The following is an entry in ClinVar:

NM_006914.4(RORB):c.413G>A (p.Ser138Asn)

Gene: RORB (RAR related orphan receptor B; plus strand). Cytogenetic location: 9q21.13.
Variant type: single nucleotide variant.
Coding change: c.413G>A on transcript NM_006914.4 (MANE Select); coding-DNA position 413, G replaced by A.
Protein change: p.Ser138Asn; replaces serine 138 with asparagine.
Molecular consequence: missense variant.
Genome position (GRCh38, 1-based): chr9:74,642,591, G>A. VCF-style: chr9-74642591-G-A. GRCh37 (hg19) VCF-style: chr9-77257507-G-A.
Other names: c.446G>A, p.Ser149Asn (NM_001365023.1); short protein forms S138N, S149N.
Identifiers: ClinVar variation 1362654 (VCV001362654.9), dbSNP rs1009683633, ClinGen allele CA193859253.

ClinVar aggregate classification (germline): Uncertain significance. Review status: criteria provided, multiple submitters, no conflicts (2 of 4 stars). 2 submissions from 2 submitters: Uncertain significance (2). Last evaluated 2023-09-26.

Submissions (2):

Labcorp Genetics (formerly Invitae), Labcorp
Classification: Uncertain significance. Last evaluated: 2023-09-26. Review status: criteria provided, single submitter. Criteria: Invitae Variant Classification Sherloc (09022015). Collection method: clinical testing. Allele origin: germline.
Comment: This variant is not present in population databases (gnomAD no frequency). This sequence change replaces serine, which is neutral and polar, with asparagine, which is neutral and polar, at codon 138 of the RORB protein (p.Ser138Asn). This variant has not been reported in the literature in individuals affected with RORB-related conditions. ClinVar contains an entry for this variant (Variation ID: 1362654). An algorithm developed to predict the effect of missense changes on protein structure and function (PolyPhen-2) suggests that this variant is likely to be tolerated. In summary, the available evidence is currently insufficient to determine the role of this variant in disease. Therefore, it has been classified as a Variant of Uncertain Significance.

GeneDx
Classification: Uncertain significance. Last evaluated: 2022-06-14. Review status: criteria provided, single submitter. Criteria: GeneDx Variant Classification Process June 2021. Collection method: clinical testing. Allele origin: germline. Affected: yes.
Comment: Not observed at significant frequency in large population cohorts (gnomAD); In silico analysis supports that this missense variant does not alter protein structure/function; Has not been previously published as pathogenic or benign to our knowledge